The following is an entry in ClinVar:

ClinVar aggregate classification (germline): Conflicting classifications of pathogenicity. Review status: criteria provided, conflicting classifications (1 of 4 stars). 4 submissions from 4 submitters: Uncertain significance (3); Likely benign (1). Last evaluated 2026-09-09.

Conditions:
Cystinuria (CSNU). Also called: CYSTINURIA, TYPE I; CYSTINURIA, TYPE II; CYSTINURIA, TYPE III; Cystinuria, non-type I. Identifiers: Orphanet 214, MedGen C0010691, MONDO:0009067, OMIM 220100, HP:0003131.

Allele frequency attached by ClinVar (database versions not stated): gnomAD exomes 0.00011 and 0.00015; gnomAD 0.00013 and 0.00011; TOPMed 0.00013; ESP Exome Variant Server 0.00008; ExAC 0.00014; 1000 Genomes Project 30x 0.00016; 1000 Genomes Project 0.00020.
gnomAD v4.1: 191 of 1,614,024 alleles (0.012%); highest among the groups gnomAD compares: Middle Eastern, 0.033%; 1 homozygote.

Submissions (4):

GeneDx
Classification: Uncertain significance. Last evaluated: 2026-09-09. Review status: criteria provided, single submitter. Criteria: GeneDx Variant Classification Process June 2021. Collection method: clinical testing. Allele origin: germline.
Comment: In silico analysis suggests that this missense variant does not alter protein structure/function; This variant is associated with the following publications: (PMID: 41194031)

Labcorp Genetics (formerly Invitae), Labcorp
Classification: Likely benign for Cystinuria. Last evaluated: 2025-10-28. Review status: criteria provided, single submitter. Criteria: Invitae Variant Classification Sherloc (09022015). Collection method: clinical testing. Allele origin: germline.

Fulgent Genetics
Classification: Uncertain significance for Cystinuria. Last evaluated: 2021-12-09. Review status: criteria provided, single submitter. Criteria: ACMG Guidelines, 2015. Collection method: clinical testing. Allele origin: unknown.

Illumina Laboratory Services, Illumina
Classification: Uncertain significance for Cystinuria. Last evaluated: 2018-01-13. Review status: criteria provided, single submitter. Criteria: ICSL Variant Classification Criteria 13 December 2019. Collection method: clinical testing. Allele origin: germline.

NM_000341.4(SLC3A1):c.1973G>A (p.Arg658His)

Genes: PREPL (prolyl endopeptidase like; minus strand), SLC3A1 (solute carrier family 3 member 1; plus strand). Cytogenetic location: 2p21.
Variant type: single nucleotide variant.
Coding change: c.1973G>A on transcript NM_000341.4 (MANE Select); coding-DNA position 1973, G replaced by A.
Protein change: p.Arg658His; replaces arginine 658 with histidine.
Molecular consequence: missense variant. On other transcripts: 3 prime UTR variant (10).
Genome position (GRCh38, 1-based): chr2:44,320,554, G>A. VCF-style: chr2-44320554-G-A. GRCh37 (hg19) VCF-style: chr2-44547693-G-A.
Other names: c.*802C>T (NM_001042385.2, NM_001042386.2, NM_001171603.1 and 7 more transcripts); short protein forms R658H.
Identifiers: ClinVar variation 336215 (VCV000336215.13), dbSNP rs370262167, ClinGen allele CA1640806.